The following is an entry in ClinVar:

ClinVar aggregate classification (germline): Uncertain significance (1 of 4 stars; one submission).

Conditions:
Charcot-Marie-Tooth disease type 4. Also called: Charcot-Marie-Tooth disease, type IV; Charcot-Marie-Tooth, Type 4. Identifiers: Orphanet 64749, MedGen C4082197, MONDO:0018995.

Submission:

Labcorp Genetics (formerly Invitae), Labcorp
Classification: Uncertain significance for Charcot-Marie-Tooth disease type 4. Last evaluated: 2021-12-02. Review status: criteria provided, single submitter. Criteria: Invitae Variant Classification Sherloc (09022015). Collection method: clinical testing. Allele origin: germline.
Comment: This variant, c.1077_1106del, results in the deletion of 10 amino acid(s) of the NDRG1 protein (p.Thr360_Gly369del), but otherwise preserves the integrity of the reading frame. This variant is present in population databases (no rsID available, gnomAD 0.01%). This variant has not been reported in the literature in individuals affected with NDRG1-related conditions. Experimental studies and prediction algorithms are not available or were not evaluated, and the functional significance of this variant is currently unknown. In summary, the available evidence is currently insufficient to determine the role of this variant in disease. Therefore, it has been classified as a Variant of Uncertain Significance.

NM_006096.4(NDRG1):c.1077_1106del (p.340TRSRSHTSEG[2])

Gene: NDRG1 (N-myc downstream regulated 1; minus strand). Cytogenetic location: 8q24.22.
Variant type: Deletion.
Coding change: c.1077_1106del on transcript NM_006096.4 (MANE Select); coding-DNA positions 1077 to 1106, 30 bases deleted (CACCCGCAGCCGCTCGCACACCAGCGAGGG).
Protein change: p.340TRSRSHTSEG[2].
Molecular consequence: inframe deletion.
Genome position (GRCh38, 1-based): chr8:133,238,957-133,238,986, CCCTCGCTGGTGTGCGAGCGGCTGCGGGTG deleted on the plus strand (CACCCGCAGCCGCTCGCACACCAGCGAGGG on the coding strand, the reverse complement: NDRG1 is on the minus strand); deleting any 30 consecutive bases within chr8:133,238,957-133,239,000 gives the same sequence; the c. name uses the placement nearest the transcript's 3' end. VCF-style (leftmost placement, unchanged base first): chr8-133238956-CCCCTCGCTGGTGTGCGAGCGGCTGCGGGTG-C. GRCh37 (hg19) VCF-style: chr8-134251199-CCCCTCGCTGGTGTGCGAGCGGCTGCGGGTG-C.
Other names: c.1077_1106del, p.340TRSRSHTSEG[2] (NM_001135242.2, NM_001374845.1, NM_001374846.1); c.879_908del, p.274TRSRSHTSEG[2] (NM_001258432.2, NM_001374847.1); c.834_863del, p.259TRSRSHTSEG[2] (NM_001258433.2); c.1128_1157del, p.357TRSRSHTSEG[2] (NM_001374844.1).
Identifiers: ClinVar variation 1515158 (VCV001515158.3), dbSNP rs1554747463, ClinGen allele CA4886419.
Genomic context (GRCh38, chr8:133,238,956, plus strand): 5'-GGACTTGGGCCCGGCGCTGTTCCCAGCAGCACCCGAGTTGGGGGTGATGTCCAGGTGGGC[CCCCTCGCTGGTGTGCGAGCGGCTGCGGGTG>C]CCCTCGCTGGTGTGGGAGCGGCTTCGGGTGCCCTCGCTGGTGTGGGAGCGGCTGCGGGTG-3'